The following is an entry in ClinVar:

NM_206933.4(USH2A):c.11047+6G>A

Gene: USH2A (usherin; minus strand). Cytogenetic location: 1q41.
Variant type: single nucleotide variant.
Coding change: c.11047+6G>A on transcript NM_206933.4 (MANE Select); 6 bases into the intron after coding-DNA position 11047, G replaced by A.
Molecular consequence: intron variant.
Genome position (GRCh38, 1-based): chr1:215,766,675, C>T on the plus strand (G>A on the coding strand, the complement: USH2A is on the minus strand). VCF-style: chr1-215766675-C-T. GRCh37 (hg19) VCF-style: chr1-215940017-C-T.
Identifiers: ClinVar variation 1478198 (VCV001478198.5), dbSNP rs748013097, ClinGen allele CA1393844.
Genomic context (GRCh38, chr1:215,766,675, plus strand): 5'-ACAGATTCCACCTCAAAATGCTATGTGAAAATTTCTTCCCTCAAACCATGGATATTGTTT[C>T]ATTACCTTCAGGAGCTGCCTGCAGTGTCTGACCTAGAAAAGGCTCGCTTGAAGTGCACCC-3'

ClinVar aggregate classification (germline): Uncertain significance (1 of 4 stars; one submission).

Allele frequency attached by ClinVar (database versions not stated): gnomAD exomes 0.00002 and below 0.00001; TOPMed 0.00001; ExAC 0.00002.
gnomAD v4.1: 5 of 1,612,300 alleles (0.00031%); highest among the groups gnomAD compares: Admixed American, 0.0067%; no homozygotes.

Submission:

Labcorp Genetics (formerly Invitae), Labcorp
Classification: Uncertain significance. Last evaluated: 2024-02-24. Review status: criteria provided, single submitter. Criteria: Invitae Variant Classification Sherloc (09022015). Collection method: clinical testing. Allele origin: germline.
Comment: This sequence change falls in intron 56 of the USH2A gene. It does not directly change the encoded amino acid sequence of the USH2A protein. It affects a nucleotide within the consensus splice site. This variant is present in population databases (rs748013097, gnomAD 0.01%). This variant has not been reported in the literature in individuals affected with USH2A-related conditions. ClinVar contains an entry for this variant (Variation ID: 1478198). Variants that disrupt the consensus splice site are a relatively common cause of aberrant splicing (PMID: 17576681, 9536098). Algorithms developed to predict the effect of sequence changes on RNA splicing suggest that this variant is not likely to affect RNA splicing. In summary, the available evidence is currently insufficient to determine the role of this variant in disease. Therefore, it has been classified as a Variant of Uncertain Significance.

Literature cited by the submitters: PubMed 17576681; PubMed 9536098.